The following is an entry in ClinVar:

ClinVar aggregate classification (germline): Likely benign (1 of 4 stars; one submission).

Conditions:
PLXNA4-related disorder. Also called: PLXNA4-related condition.

gnomAD v4.1: 25 of 1,613,990 alleles (0.0015%); highest among the groups gnomAD compares: African/African-American, 0.0027%; no homozygotes.

Submission:

PreventionGenetics, part of Exact Sciences
Classification: Likely benign for PLXNA4-related condition. Last evaluated: 2026-09-04. Review status: criteria provided, single submitter. Criteria: ACMG Guidelines, 2015. Collection method: clinical testing. Allele origin: germline.
Comment: This variant is classified as likely benign based on ACMG/AMP sequence variant interpretation guidelines (Richards et al. 2015 PMID: 25741868, with internal and published modifications).

NM_020911.2(PLXNA4):c.1815C>T (p.Val605=)

Gene: PLXNA4 (plexin A4; minus strand). Cytogenetic location: 7q32.3.
Variant type: single nucleotide variant.
Coding change: c.1815C>T on transcript NM_020911.2 (MANE Select); coding-DNA position 1815, C replaced by T.
Protein change: p.Val605=; no amino-acid change (valine 605 retained).
Molecular consequence: synonymous variant.
Genome position (GRCh38, 1-based): chr7:132,227,518, G>A on the plus strand (C>T on the coding strand, the complement: PLXNA4 is on the minus strand). VCF-style: chr7-132227518-G-A. GRCh37 (hg19) VCF-style: chr7-131912277-G-A.
Other names: c.1815C>T, p.Val605= (NM_001393897.1).
Identifiers: ClinVar variation 4998895 (VCV004998895.1).